The following is an entry in ClinVar:

NM_000245.4(MET):c.3691G>A (p.Asp1231Asn)

Gene: MET (MET proto-oncogene, receptor tyrosine kinase; plus strand). Cytogenetic location: 7q31.2.
Variant type: single nucleotide variant.
Coding change: c.3691G>A on transcript NM_000245.4 (MANE Select); coding-DNA position 3691, G replaced by A.
Protein change: p.Asp1231Asn; replaces aspartic acid 1231 with asparagine.
Molecular consequence: missense variant.
Genome position (GRCh38, 1-based): chr7:116,783,362, G>A. VCF-style: chr7-116783362-G-A. GRCh37 (hg19) VCF-style: chr7-116423416-G-A.
Other names: c.3745G>A, p.Asp1249Asn (NM_001127500.3); c.2401G>A, p.Asp801Asn (NM_001324402.2); c.3745G>A (NM_001127500.1); short protein forms D1249N, D801N, D1231N.
Identifiers: ClinVar variation 1346598 (VCV001346598.7), dbSNP rs1168862161, ClinGen allele CA368991603.
Genomic context (GRCh38, chr7:116,783,362, plus strand): 5'-AGGCTGGATGAAAAATTCACAGTCAAGGTTGCTGATTTTGGTCTTGCCAGAGACATGTAT[G>A]ATAAAGAATACTATAGTGTACACAACAAAACAGGTGCAAAGCTGCCAGTGAAGTGGATGG-3'
Protein context (NP_000236.2, residues 1221-1241): ADFGLARDMY[Asp1231Asn]KEYYSVHNKT

ClinVar aggregate classification (germline): Uncertain significance. Review status: criteria provided, multiple submitters, no conflicts (2 of 4 stars). 2 submissions from 2 submitters: Uncertain significance (2). Last evaluated 2024-05-29.

Conditions:
Hereditary cancer-predisposing syndrome. Also called: Hereditary neoplastic syndrome; Tumor predisposition; Neoplastic Syndromes, Hereditary; Hereditary Cancer Syndrome. Identifiers: Orphanet 140162, MedGen C0027672, MeSH D009386, MONDO:0015356.
Renal cell carcinoma. Identifiers: Orphanet 217071, MedGen C0007134, MeSH D002292, MONDO:0005086, HP:0005584.

Allele frequency attached by ClinVar (database versions not stated): gnomAD exomes below 0.00001.
gnomAD v4.1: 1 of 1,614,126 alleles (0.000062%); highest among the groups gnomAD compares: Non-Finnish European, 0.000085%; no homozygotes.

Submissions (2):

Ambry Genetics
Classification: Uncertain significance for Hereditary cancer-predisposing syndrome. Last evaluated: 2024-05-29. Review status: criteria provided, single submitter. Criteria: Ambry Variant Classification Scheme 2023. Collection method: clinical testing. Allele origin: germline.
Comment: The p.D1249N variant (also known as c.3745G>A), located in coding exon 18 of the MET gene, results from a G to A substitution at nucleotide position 3745. The aspartic acid at codon 1249 is replaced by asparagine, an amino acid with highly similar properties. This amino acid position is conserved. In addition, the in silico prediction for this alteration is inconclusive. Based on the available evidence, the clinical significance of this variant remains unclear.

Labcorp Genetics (formerly Invitae), Labcorp
Classification: Uncertain significance for Renal cell carcinoma. Last evaluated: 2023-03-03. Review status: criteria provided, single submitter. Criteria: Invitae Variant Classification Sherloc (09022015). Collection method: clinical testing. Allele origin: germline.
Comment: In summary, the available evidence is currently insufficient to determine the role of this variant in disease. Therefore, it has been classified as a Variant of Uncertain Significance. Advanced modeling of protein sequence and biophysical properties (such as structural, functional, and spatial information, amino acid conservation, physicochemical variation, residue mobility, and thermodynamic stability) performed at Invitae indicates that this missense variant is expected to disrupt MET protein function. ClinVar contains an entry for this variant (Variation ID: 1346598). This variant has not been reported in the literature in individuals affected with MET-related conditions. This variant is not present in population databases (gnomAD no frequency). This sequence change replaces aspartic acid, which is acidic and polar, with asparagine, which is neutral and polar, at codon 1249 of the MET protein (p.Asp1249Asn).